The following is an entry in ClinVar:

NM_002519.3(NPAT):c.3749T>C (p.Ile1250Thr)

Gene: NPAT (nuclear protein, coactivator of histone transcription; minus strand). Cytogenetic location: 11q22.3.
Variant type: single nucleotide variant.
Coding change: c.3749T>C on transcript NM_002519.3 (MANE Select); coding-DNA position 3749, T replaced by C.
Protein change: p.Ile1250Thr; replaces isoleucine 1250 with threonine.
Molecular consequence: missense variant.
Genome position (GRCh38, 1-based): chr11:108,161,337, A>G on the plus strand (T>C on the coding strand, the complement: NPAT is on the minus strand). VCF-style: chr11-108161337-A-G. GRCh37 (hg19) VCF-style: chr11-108032064-A-G.
Other names: c.3770T>C, p.Ile1257Thr (NM_001321307.1); short protein forms I1250T, I1257T.
Identifiers: ClinVar variation 1734532 (VCV001734532.2), dbSNP rs1425285333, ClinGen allele CA382510129.
Genomic context (GRCh38, chr11:108,161,337, plus strand): 5'-GTCCGGGGCACAGGTAAATCACTACTATCAGCAAGCCTACTTACTGAGCTGTGCCTCTGT[A>G]TATCCTGTAACATTTCTGTGGTAATCAAAGAACTGGCGGATTTAGTTTGTTCTTGTTTTA-3'
Protein context (NP_002510.2, residues 1240-1260): SLITTEMLQD[Ile1250Thr]QRHSSVSRLA

ClinVar aggregate classification (germline): Uncertain significance (1 of 4 stars; one submission).

Allele frequency attached by ClinVar (database versions not stated): TOPMed below 0.00001.

Submission:

Ambry Genetics
Classification: Uncertain significance. Last evaluated: 2021-08-12. Review status: criteria provided, single submitter. Criteria: Ambry Variant Classification Scheme 2023. Collection method: clinical testing. Allele origin: germline.
Comment: The p.I1250T variant (also known as c.3749T>C), located in coding exon 17 of the NPAT gene, results from a T to C substitution at nucleotide position 3749. The isoleucine at codon 1250 is replaced by threonine, an amino acid with similar properties. This amino acid position is conserved. In addition, this alteration is predicted to be tolerated by in silico analysis. Since supporting evidence is limited at this time, the clinical significance of this alteration remains unclear.